The following is an entry in ClinVar:

NM_001387690.1(KATNAL2):c.1211+6922A>G

Gene: KATNAL2 (katanin catalytic subunit A1 like 2; plus strand). Cytogenetic location: 18q21.1.
Variant type: single nucleotide variant.
Coding change: c.1211+6922A>G on transcript NM_001387690.1 (MANE Select); 6922 bases into the intron after coding-DNA position 1211, A replaced by G.
Molecular consequence: intron variant. On other transcripts: missense variant (1), synonymous variant (1).
Genome position (GRCh38, 1-based): chr18:47,084,383, A>G. VCF-style: chr18-47084383-A-G. GRCh37 (hg19) VCF-style: chr18-44610754-A-G.
Other names: c.904A>G, p.Ile302Val (NM_001353907.1); c.831A>G, p.Gln277= (NM_001353909.1); c.779+6922A>G (NM_001353904.1, NM_001353908.1); c.1289+6922A>G (NM_001353899.1); c.1286+6922A>G (NM_001353900.1); c.878+6922A>G (NM_001353903.1, NM_001353905.1, NM_001353906.1); c.1211+6922A>G (NM_001353901.1, NM_001367621.1); c.1190+6922A>G (NM_001353902.1); and 1 more; short protein forms I302V.
Identifiers: ClinVar variation 2629643 (VCV002629643.2), dbSNP rs1321782027, ClinGen allele CA629518788.

ClinVar aggregate classification (germline): Uncertain significance (1 of 4 stars; one submission).

Conditions:
KATNAL2-related disorder. Also called: KATNAL2-related condition.

Allele frequency attached by ClinVar (database versions not stated): gnomAD exomes 0.00001.
gnomAD v4.1: 3 of 702,898 alleles (0.00043%); highest among the groups gnomAD compares: Non-Finnish European, 0.00078%; no homozygotes.

Submission:

PreventionGenetics, part of Exact Sciences
Classification: Uncertain significance for KATNAL2-related condition. Last evaluated: 2025-10-24. Review status: criteria provided, single submitter. Criteria: ACMG Guidelines, 2015. Collection method: clinical testing. Allele origin: germline.
Comment: The KATNAL2 c.904A>G variant is predicted to result in the amino acid substitution p.Ile302Val. In an alternate transcript (NM_031303.2), this variant is found within an intronic region (c.995+6922A>G). To our knowledge, this variant has not been reported in the literature. This variant is reported in 0.0019% of alleles in individuals of European (non-Finnish) descent in gnomAD. At this time, the clinical significance of this variant is uncertain due to the absence of conclusive functional and genetic evidence.